The following is an entry in ClinVar:

NM_001164508.2(NEB):c.24113C>A (p.Ser8038Ter)

Genes: RIF1 (replication timing regulatory factor 1; plus strand), NEB (nebulin; minus strand). Cytogenetic location: 2q23.3.
Variant type: single nucleotide variant.
Coding change: c.24113C>A on transcript NM_001164508.2 (MANE Select); coding-DNA position 24113, C replaced by A.
Protein change: p.Ser8038Ter; replaces serine 8038 with a stop codon.
Molecular consequence: nonsense. On other transcripts: intron variant (1).
Genome position (GRCh38, 1-based): chr2:151,499,299, G>T on the plus strand (C>A on the coding strand, the complement: NEB is on the minus strand). VCF-style: chr2-151499299-G-T. GRCh37 (hg19) VCF-style: chr2-152355813-G-T.
Other names: p.Ser8073*; c.24113C>A, p.Ser8038Ter (NM_001164507.2); c.24218C>A, p.Ser8073Ter (NM_001271208.2); c.18826-2931C>A (NM_004543.5); short protein forms S8073*, S8038*.
Identifiers: ClinVar variation 496134 (VCV000496134.20), dbSNP rs1458048713, ClinGen allele CA348779352.

ClinVar aggregate classification (germline): Pathogenic/Likely pathogenic. Review status: criteria provided, multiple submitters, no conflicts (2 of 4 stars). 8 submissions from 8 submitters: Pathogenic (5); Likely pathogenic (2). 1 of the submissions does not count toward it. Last evaluated 2025-12-28.

Conditions:
Arthrogryposis multiplex congenita 6. Identifiers: MedGen C5543431, MONDO:0030281, OMIM 619334.
Nemaline myopathy. Also called: Myopathies, Nemaline. Identifiers: Orphanet 607, MedGen C0206157, MONDO:0018958.
Nemaline myopathy 2 (NEM2). Also called: Nemaline myopathy 2, autosomal recessive. Identifiers: MedGen C1850569, MONDO:0009725, OMIM 256030.

Allele frequency attached by ClinVar (database versions not stated): TOPMed 0.00004; gnomAD 0.00006.
gnomAD v4.1: 53 of 1,463,804 alleles (0.0036%); highest among the groups gnomAD compares: Non-Finnish European, 0.0046%; no homozygotes.

Submissions (8):

Labcorp Genetics (formerly Invitae), Labcorp
Classification: Pathogenic for Nemaline myopathy 2. Last evaluated: 2025-12-28. Review status: criteria provided, single submitter. Criteria: Invitae Variant Classification Sherloc (09022015). Collection method: clinical testing. Allele origin: germline.
Comment: This sequence change creates a premature translational stop signal (p.Ser8073*) in the NEB gene. It is expected to result in an absent or disrupted protein product. Loss-of-function variants in NEB are known to be pathogenic (PMID: 25205138). This variant is present in population databases (no rsID available, gnomAD 0.006%). This premature translational stop signal has been observed in individuals with nemaline myopathy (PMID: 15336686, 26809617). This variant is also known as Ser8038Ter and stop codon in exon 170. ClinVar contains an entry for this variant (Variation ID: 496134). For these reasons, this variant has been classified as Pathogenic.

Natera, Inc.
Classification: Pathogenic for Nemaline myopathy type 2. Last evaluated: 2024-10-15. Review status: criteria provided, single submitter. Criteria: Natera Variant Classification Schema (03/2026). Collection method: clinical testing. Allele origin: germline.
Comment: The c.24218C>A variant in NEB is a nonsense variant predicted to introduce a stop codon at amino acid 8073. This variant is expected to result in nonsense mediated decay, truncation, or a dysfunctional protein product. This variant is rare in the general population with a frequency below the threshold expected for the associated phenotype(s). This variant has been observed in one or more individuals affected with the associated recessive disease, as either homozygous or compound heterozygous with a second variant (PMID: 25205138). Given the available evidence, this variant is classified as Pathogenic.

Mayo Clinic Laboratories, Mayo Clinic
Classification: Pathogenic. Last evaluated: 2024-06-04. Review status: criteria provided, single submitter. Criteria: ACMG Guidelines, 2015. Collection method: clinical testing. Allele origin: germline. Observed: 1 variant allele.
Comment: PM2, PM3, PS4_moderate, PVS1

Baylor Genetics
Classification: Pathogenic for Arthrogryposis multiplex congenita 6. Last evaluated: 2024-03-20. Review status: criteria provided, single submitter. Criteria: ACMG Guidelines, 2015. Collection method: clinical testing. Allele origin: unknown.

Women's Health and Genetics/Laboratory Corporation of America, LabCorp
Classification: Likely pathogenic for Nemaline myopathy. Last evaluated: 2022-05-08. Review status: criteria provided, single submitter. Criteria: LabCorp Variant Classification Summary - May 2015. Collection method: clinical testing. Allele origin: germline.
Comment: Variant summary: NEB c.24218C>A (p.Ser8073X) results in a premature termination codon, predicted to cause a truncation of the encoded protein or absence of the protein due to nonsense mediated decay, which are commonly known mechanisms for disease. Truncations downstream of this position have been classified as pathogenic by our laboratory. The variant allele was found at a frequency of 3.6e-05 in 138376 control chromosomes. c.24218C>A has been reported in the literature in individuals affected with Nemaline Myopathy 2 and subsequently cited by others (example, Levesque_2016, Lehtokari_2006, Lehtokari_2014, Wallgren-Pettersson_2004). These data indicate that the variant may be associated with disease. To our knowledge, no experimental evidence demonstrating an impact on protein function has been reported. Three clinical diagnostic laboratories have submitted clinical-significance assessments for this variant to ClinVar after 2014 without evidence for independent evaluation. All laboratories classified the variant as pathogenic/likely pathogenic. Based on the evidence outlined above, the variant was classified as likely pathogenic.

GeneDx
Classification: Likely pathogenic. Last evaluated: 2021-06-04. Review status: criteria provided, single submitter. Criteria: GeneDx Variant Classification Process June 2021. Collection method: clinical testing. Allele origin: germline. Affected: yes.
Comment: Observed multiple times with another NEB variant in patients with nemaline myopathy in published literature, but it is not known whether the variants occurred on the same (in cis) or on different (in trans) chromosomes in all cases (Wallgren-Pettersson et al., 2004; Lehtokari et al., 2014; Levesque et al., 2016); Nonsense variant predicted to result in protein truncation or nonsense mediated decay in a gene for which loss-of-function is a known mechanism of disease; Not observed at significant frequency in large population cohorts (Lek et al., 2016); This variant is associated with the following publications: (PMID: 27535533, 15336686, 25205138, 26809612, 26809617, 16917880)

Juno Genomics, Hangzhou Juno Genomics, Inc
Classification: Pathogenic for Nemaline myopathy 2. Review status: criteria provided, single submitter. Criteria: ACMG Guidelines, 2015. Collection method: clinical testing. Allele origin: germline. Affected: yes.
Comment: Null variant in a gene where loss of function (LOF) is a known mechanism of disease.;For recessive disorders, detected in trans with a pathogenic variant.;Patient's phenotype or family history is highly specific for a disease with a single genetic etiology.

Counsyl
Classification: Pathogenic for Nemaline myopathy 2. Last evaluated: 2017-04-06. Review status: no assertion criteria provided. Collection method: clinical testing. Allele origin: unknown. Not counted in ClinVar's aggregate classification.

Literature cited by the submitters: PubMed 25205138 (cited by 4 submitters); PubMed 15336686 (cited by 3 submitters); PubMed 26809617 (cited by 3 submitters); PubMed 16917880 (cited by Mayo Clinic Laboratories, Mayo Clinic and Women's Health and Genetics/Laboratory Corporation of America, LabCorp); PubMed 38187705 (cited by Mayo Clinic Laboratories, Mayo Clinic); PubMed 26809612 (cited by Counsyl).